The following is an entry in ClinVar:

ClinVar aggregate classification (germline): Conflicting classifications of pathogenicity. Review status: criteria provided, conflicting classifications (1 of 4 stars). 3 submissions from 3 submitters: Likely pathogenic (2); Uncertain significance (1). Last evaluated 2026-04-14.

Conditions:
Hereditary cancer-predisposing syndrome. Also called: Hereditary Cancer Syndrome; Hereditary neoplastic syndrome; Neoplastic Syndromes, Hereditary; Tumor predisposition. Identifiers: Orphanet 140162, MedGen C0027672, MeSH D009386, MONDO:0015356.
Hereditary breast ovarian cancer syndrome. Also called: BRCA1- and BRCA2-Associated Hereditary Breast and Ovarian Cancer; Hereditary breast and ovarian cancer syndrome; Hereditary breast and ovarian cancer syndrome (HBOC); Hereditary breast and ovarian cancer; Breast and ovarian cancer; Hereditary breast and/or ovarian cancer syndrome. Identifiers: Orphanet 145, MedGen C0677776, MeSH D061325, MONDO:0003582. Disease mechanism: loss of function.

Submissions (3):

German Consortium for Hereditary Breast and Ovarian Cancer, University Hospital Cologne
Classification: Likely pathogenic for Hereditary breast ovarian cancer syndrome. Last evaluated: 2026-04-14. Review status: criteria provided, single submitter. Criteria: ClinGen BRCA2 1.2.0. Collection method: curation. Allele origin: germline.
Comment: This classification follows the ClinGen ENIGMA BRCA2 v1.2.0 classification scheme; We chose these criteria: PS3 (strong pathogenic): non-functional in cell-survival assay (Huang H et al. Nature 2025, PMID:39779857 ; Sahu S et al. Nature 2025, PMID:39779848), PM2 (supporting pathogenic): absent from gnomAD v2/3/4, PP3 (supporting pathogenic): location in clinically important functional domain (BRCA2 DNA binding aa 2481-3186, BayesDel 0,33)

Ambry Genetics
Classification: Likely pathogenic for Hereditary cancer-predisposing syndrome. Last evaluated: 2025-04-07. Review status: criteria provided, single submitter. Criteria: Ambry Variant Classification Scheme 2023. Collection method: clinical testing. Allele origin: germline.
Comment: The p.D2819V variant (also known as c.8456A>T), located in coding exon 18 of the BRCA2 gene, results from an A to T substitution at nucleotide position 8456. The aspartic acid at codon 2819 is replaced by valine, an amino acid with highly dissimilar properties. This alteration was seen in 1/732 breast cancer patients, 0/189 colorectal cancer patients and 0/490 cancer-free elderly controls in a Turkish population (Akcay IM et al. Int J Cancer, 2021 01;148(2):285-295). This variant was non-functional in a homology-directed DNA repair (HDR) assay (Richardson ME et al. Am J Hum Genet, 2021 03;108:458-468). In addition, two saturation genome editing-based studies, including a haploid cell-survival assay and a humanized mouse embryonic stem cell line assay of drug response and survival, demonstrate that this nucleotide substitution is non-functional (Huang H et al. Nature, 2025 Feb;638:528-537; Sahu S et al. Nature, 2025 Feb;638:538-545). This amino acid position is highly conserved in available vertebrate species. In addition, this alteration is predicted to be deleterious by in silico analysis. Based on the majority of available evidence to date, this variant is likely to be pathogenic.

Labcorp Genetics (formerly Invitae), Labcorp
Classification: Uncertain significance for Hereditary breast ovarian cancer syndrome. Last evaluated: 2025-03-23. Review status: criteria provided, single submitter. Criteria: Invitae Variant Classification Sherloc (09022015). Collection method: clinical testing. Allele origin: germline.
Comment: This sequence change replaces aspartic acid, which is acidic and polar, with valine, which is neutral and non-polar, at codon 2819 of the BRCA2 protein (p.Asp2819Val). This variant is not present in population databases (gnomAD no frequency). This variant has not been reported in the literature in individuals affected with BRCA2-related conditions. ClinVar contains an entry for this variant (Variation ID: 481554). Invitae Evidence Modeling incorporating data from in vitro experimental studies (PMID: 33609447) indicates that this missense variant is expected to disrupt BRCA2 function with a positive predictive value of 95%. In summary, the available evidence is currently insufficient to determine the role of this variant in disease. Therefore, it has been classified as a Variant of Uncertain Significance.

Literature cited by the submitters: PubMed 32658311 (cited by Ambry Genetics); PubMed 33609447 (cited by Ambry Genetics and Labcorp Genetics (formerly Invitae), Labcorp); PubMed 39779848 (cited by Ambry Genetics); PubMed 39779857 (cited by Ambry Genetics).

NM_000059.4(BRCA2):c.8456A>T (p.Asp2819Val)

Gene: BRCA2 (BRCA2 DNA repair associated; plus strand). Cytogenetic location: 13q13.1.
Variant type: single nucleotide variant.
Coding change: c.8456A>T on transcript NM_000059.4 (MANE Select); coding-DNA position 8456, A replaced by T.
Protein change: p.Asp2819Val; replaces aspartic acid 2819 with valine.
Molecular consequence: missense variant.
Genome position (GRCh38, 1-based): chr13:32,370,526, A>T. VCF-style: chr13-32370526-A-T. GRCh37 (hg19) VCF-style: chr13-32944663-A-T.
Other names: short protein forms D2819V.
Identifiers: ClinVar variation 481554 (VCV000481554.17), dbSNP rs1555287655, ClinGen allele CA387752592.